The following is an entry in ClinVar:

NM_000093.5(COL5A1):c.2799+33G>A

Gene: COL5A1 (collagen type V alpha 1 chain; plus strand). Cytogenetic location: 9q34.3.
Variant type: single nucleotide variant.
Coding change: c.2799+33G>A on transcript NM_000093.5 (MANE Select); 33 bases into the intron after coding-DNA position 2799, G replaced by A.
Molecular consequence: intron variant.
Genome position (GRCh38, 1-based): chr9:134,795,348, G>A. VCF-style: chr9-134795348-G-A. GRCh37 (hg19) VCF-style: chr9-137687194-G-A.
Other names: c.2799+33G>A (NM_001278074.1).
Identifiers: ClinVar variation 671044 (VCV000671044.2), dbSNP rs111253752, ClinGen allele CA5319588.
Genomic context (GRCh38, chr9:134,795,348, plus strand): 5'-GGGCATCACTGGGAAGCCTGGCCCCAAGGTATGTTTTTGGCCTCCTGGGCGGTGGGCGGC[G>A]TGAACCCAAGTTGCAAGGCTACAGAGACGTGGAGCGTCTGAGGGTGTCTGTGACCTTTTT-3'

ClinVar aggregate classification (germline): Likely benign. Review status: criteria provided, multiple submitters, no conflicts (2 of 4 stars). 2 submissions from 2 submitters: Likely benign (2). Last evaluated 2018-06-14.

Allele frequency attached by ClinVar (database versions not stated): gnomAD exomes 0.00358; ExAC 0.00421; 1000 Genomes Project 0.01198; 1000 Genomes Project 30x 0.01249; gnomAD 0.01337 and 0.01433; ESP Exome Variant Server 0.01384; TOPMed 0.01515.
gnomAD v4.1: 4,130 of 1,605,554 alleles (0.26%); highest among the groups gnomAD compares: African/African-American, 4.6%; 103 homozygotes.

Submissions (2):

GeneDx
Classification: Likely benign. Last evaluated: 2018-06-14. Review status: criteria provided, single submitter. Criteria: GeneDx Variant Classification (06012015). Collection method: clinical testing. Allele origin: germline. Affected: yes.
Comment: This variant is considered likely benign or benign based on one or more of the following criteria: it is a conservative change, it occurs at a poorly conserved position in the protein, it is predicted to be benign by multiple in silico algorithms, and/or has population frequency not consistent with disease.

Breakthrough Genomics
Classification: Likely benign. Review status: criteria provided, single submitter. Criteria: ACMG Guidelines, 2015. Collection method: not provided. Allele origin: germline. Inheritance: Autosomal dominant inheritance. Affected: yes.